The following is an entry in ClinVar:

NM_004370.6(COL12A1):c.8189G>A (p.Gly2730Glu)

Gene: COL12A1 (collagen type XII alpha 1 chain; minus strand). Cytogenetic location: 6q13.
Variant type: single nucleotide variant.
Coding change: c.8189G>A on transcript NM_004370.6 (MANE Select); coding-DNA position 8189, G replaced by A.
Protein change: p.Gly2730Glu; replaces glycine 2730 with glutamic acid.
Molecular consequence: missense variant.
Genome position (GRCh38, 1-based): chr6:75,105,282, C>T on the plus strand (G>A on the coding strand, the complement: COL12A1 is on the minus strand). VCF-style: chr6-75105282-C-T. GRCh37 (hg19) VCF-style: chr6-75814998-C-T.
Other names: c.4697G>A, p.Gly1566Glu (NM_080645.3); short protein forms G1566E, G2730E.
Identifiers: ClinVar variation 1723631 (VCV001723631.6), dbSNP rs1342383183, ClinGen allele CA364740731.

ClinVar aggregate classification (germline): Uncertain significance. Review status: criteria provided, multiple submitters, no conflicts (2 of 4 stars). 2 submissions from 2 submitters: Uncertain significance (2). Last evaluated 2024-01-14.

Conditions:
Bethlem myopathy 2 (BTHLM2). Identifiers: Orphanet 536516, Orphanet 610, MedGen C4225313, MONDO:0034022, OMIM 616471.
Ullrich congenital muscular dystrophy 2 (UCMD2). Identifiers: Orphanet 75840, MedGen C4225314, MONDO:0014654, OMIM 616470.

Allele frequency attached by ClinVar (database versions not stated): gnomAD exomes below 0.00001; TOPMed below 0.00001; gnomAD 0.00001.
gnomAD v4.1: 5 of 1,613,248 alleles (0.00031%); highest among the groups gnomAD compares: Non-Finnish European, 0.00042%; no homozygotes.

Submissions (2):

Labcorp Genetics (formerly Invitae), Labcorp
Classification: Uncertain significance for Bethlem myopathy 2; Ullrich congenital muscular dystrophy 2. Last evaluated: 2024-01-14. Review status: criteria provided, single submitter. Criteria: Invitae Variant Classification Sherloc (09022015). Collection method: clinical testing. Allele origin: germline.
Comment: This sequence change replaces glycine, which is neutral and non-polar, with glutamic acid, which is acidic and polar, at codon 2730 of the COL12A1 protein (p.Gly2730Glu). This variant is not present in population databases (gnomAD no frequency). This variant has not been reported in the literature in individuals affected with COL12A1-related conditions. ClinVar contains an entry for this variant (Variation ID: 1723631). Advanced modeling of protein sequence and biophysical properties (such as structural, functional, and spatial information, amino acid conservation, physicochemical variation, residue mobility, and thermodynamic stability) performed at Invitae indicates that this missense variant is not expected to disrupt COL12A1 protein function with a negative predictive value of 80%. In summary, the available evidence is currently insufficient to determine the role of this variant in disease. Therefore, it has been classified as a Variant of Uncertain Significance.

GeneDx
Classification: Uncertain significance. Last evaluated: 2022-11-07. Review status: criteria provided, single submitter. Criteria: GeneDx Variant Classification Process June 2021. Collection method: clinical testing. Allele origin: germline. Affected: yes.
Comment: Has not been previously published as pathogenic or benign to our knowledge; Not observed at significant frequency in large population cohorts (gnomAD); In silico analysis supports that this missense variant does not alter protein structure/function